The following is an entry in ClinVar:

NM_032043.3(BRIP1):c.1369G>C (p.Val457Leu)

Gene: BRIP1 (BRCA1 interacting DNA helicase 1; minus strand). Cytogenetic location: 17q23.2.
Variant type: single nucleotide variant.
Coding change: c.1369G>C on transcript NM_032043.3 (MANE Select); coding-DNA position 1369, G replaced by C.
Protein change: p.Val457Leu; replaces valine 457 with leucine.
Molecular consequence: missense variant.
Genome position (GRCh38, 1-based): chr17:61,793,701, C>G on the plus strand (G>C on the coding strand, the complement: BRIP1 is on the minus strand). VCF-style: chr17-61793701-C-G. GRCh37 (hg19) VCF-style: chr17-59871062-C-G.
Other names: short protein forms V457L.
Identifiers: ClinVar variation 407798 (VCV000407798.25), dbSNP rs748221377, ClinGen allele CA8690750.

ClinVar aggregate classification (germline): Uncertain significance. Review status: criteria provided, multiple submitters, no conflicts (2 of 4 stars). 7 submissions from 7 submitters: Uncertain significance (7). Last evaluated 2026-02-04.

Conditions:
Hereditary cancer-predisposing syndrome. Also called: Hereditary neoplastic syndrome; Neoplastic Syndromes, Hereditary; Tumor predisposition; Hereditary Cancer Syndrome. Identifiers: Orphanet 140162, MedGen C0027672, MeSH D009386, MONDO:0015356.
Familial cancer of breast. Also called: Hereditary breast cancer; hereditary breast carcinoma; BREAST CANCER, FAMILIAL. Identifiers: Orphanet 227535, MedGen C0346153, MONDO:0016419, OMIM 114480. Disease mechanism: loss of function.
Fanconi anemia complementation group J. Also called: BRIP1-Related Fanconi Anemia. Identifiers: Orphanet 84, MedGen C1836860, MONDO:0012187, OMIM 609054.

Allele frequency attached by ClinVar (database versions not stated): ExAC 0.00001; gnomAD exomes 0.00001; TOPMed 0.00001.
gnomAD v4.1: 4 of 1,610,654 alleles (0.00025%); highest among the groups gnomAD compares: Admixed American, 0.0033%; no homozygotes.

Submissions (7):

Labcorp Genetics (formerly Invitae), Labcorp
Classification: Uncertain significance for Familial cancer of breast; Fanconi anemia complementation group J. Last evaluated: 2026-02-04. Review status: criteria provided, single submitter. Criteria: Invitae Variant Classification Sherloc (09022015). Collection method: clinical testing. Allele origin: germline.
Comment: This sequence change replaces valine, which is neutral and non-polar, with leucine, which is neutral and non-polar, at codon 457 of the BRIP1 protein (p.Val457Leu). This variant is present in population databases (rs748221377, gnomAD 0.006%). This variant has not been reported in the literature in individuals affected with BRIP1-related conditions. ClinVar contains an entry for this variant (Variation ID: 407798). Invitae Evidence Modeling of protein sequence and biophysical properties (such as structural, functional, and spatial information, amino acid conservation, physicochemical variation, residue mobility, and thermodynamic stability) indicates that this missense variant is not expected to disrupt BRIP1 protein function with a negative predictive value of 95%. In summary, the available evidence is currently insufficient to determine the role of this variant in disease. Therefore, it has been classified as a Variant of Uncertain Significance.

Quest Diagnostics Nichols Institute San Juan Capistrano
Classification: Uncertain significance. Last evaluated: 2025-05-15. Review status: criteria provided, single submitter. Criteria: Quest Diagnostics criteria. Collection method: clinical testing. Allele origin: unknown.
Comment: The BRIP1 c.1369G>C (p.Val457Leu) variant has not been reported in individuals with BRIP1-related conditions in the published literature. The frequency of this variant in the general population (Genome Aggregation Database) is uninformative in the assessment of its pathogenicity. Analysis of this variant using bioinformatics tools for the prediction of the effect of amino acid changes on protein structure and function yielded predictions that this variant is benign. Based on the available information, we are unable to determine the clinical significance of this variant.

Fulgent Genetics
Classification: Uncertain significance for Familial cancer of breast; Fanconi anemia complementation group J. Last evaluated: 2024-06-22. Review status: criteria provided, single submitter. Criteria: ACMG Guidelines, 2015. Collection method: clinical testing. Allele origin: germline.

Color Diagnostics, LLC DBA Color Health
Classification: Uncertain significance for Hereditary cancer-predisposing syndrome. Last evaluated: 2024-03-06. Review status: criteria provided, single submitter. Criteria: ACMG Guidelines, 2015. Collection method: clinical testing. Allele origin: germline.
Comment: This missense variant replaces valine with leucine at codon 457 of the BRIP1 protein. Computational prediction suggests that this variant may not impact protein structure and function (internally defined REVEL score threshold <= 0.5, PMID: 27666373). To our knowledge, functional studies have not been reported for this variant. This variant has not been reported in individuals affected with hereditary cancer in the literature. This variant has been identified in 3/247918 chromosomes in the general population by the Genome Aggregation Database (gnomAD). The available evidence is insufficient to determine the role of this variant in disease conclusively. Therefore, this variant is classified as a Variant of Uncertain Significance.

Ambry Genetics
Classification: Uncertain significance for Hereditary cancer-predisposing syndrome. Last evaluated: 2023-11-09. Review status: criteria provided, single submitter. Criteria: Ambry Variant Classification Scheme 2023. Collection method: clinical testing. Allele origin: germline.
Comment: The p.V457L variant (also known as c.1369G>C), located in coding exon 9 of the BRIP1 gene, results from a G to C substitution at nucleotide position 1369. The valine at codon 457 is replaced by leucine, an amino acid with highly similar properties. This amino acid position is not well conserved in available vertebrate species. In addition, this alteration is predicted to be tolerated by in silico analysis. Since supporting evidence is limited at this time, the clinical significance of this alteration remains unclear.

GeneDx
Classification: Uncertain significance. Last evaluated: 2023-05-25. Review status: criteria provided, single submitter. Criteria: GeneDx Variant Classification Process June 2021. Collection method: clinical testing. Allele origin: germline. Affected: yes.
Comment: Not observed at significant frequency in large population cohorts (gnomAD); In silico analysis supports that this missense variant does not alter protein structure/function; Has not been previously published as pathogenic or benign to our knowledge

PreventionGenetics, part of Exact Sciences
Classification: Uncertain significance. Last evaluated: 2017-04-25. Review status: criteria provided, single submitter. Criteria: ACMG Guidelines, 2015. Collection method: clinical testing. Allele origin: germline.